The following is an entry in ClinVar:

NM_000152.5(GAA):c.2005C>G (p.Pro669Ala)

Gene: GAA (alpha glucosidase; plus strand). Cytogenetic location: 17q25.3.
Variant type: single nucleotide variant.
Coding change: c.2005C>G on transcript NM_000152.5 (MANE Select); coding-DNA position 2005, C replaced by G.
Protein change: p.Pro669Ala; replaces proline 669 with alanine.
Molecular consequence: missense variant.
Genome position (GRCh38, 1-based): chr17:80,112,992, C>G. VCF-style: chr17-80112992-C-G. GRCh37 (hg19) VCF-style: chr17-78086791-C-G.
Other names: c.2005C>G, p.Pro669Ala (NM_001079803.3, NM_001079804.3, NM_001406741.1 and 1 more transcripts); short protein forms P669A.
Identifiers: ClinVar variation 1950362 (VCV001950362.2), dbSNP rs752507985, ClinGen allele CA401370056.

ClinVar aggregate classification (germline): Uncertain significance (1 of 4 stars; one submission).

Conditions:
Glycogen storage disease, type II (IOPD). Also called: CARDIOMEGALIA GLYCOGENICA DIFFUSA; Glycogen storage disease type 2; Acid maltase deficiency disease; Aglucosidase alfa; POMPE DISEASE, INFANTILE-ONSET; GLYCOGEN STORAGE DISEASE II, INFANTILE-ONSET. Identifiers: Orphanet 365, MedGen C0017921, MONDO:0009290, OMIM 232300.

Submission:

Labcorp Genetics (formerly Invitae), Labcorp
Classification: Uncertain significance for Glycogen storage disease, type II. Last evaluated: 2022-08-12. Review status: criteria provided, single submitter. Criteria: Invitae Variant Classification Sherloc (09022015). Collection method: clinical testing. Allele origin: germline.
Comment: This sequence change replaces proline, which is neutral and non-polar, with alanine, which is neutral and non-polar, at codon 669 of the GAA protein (p.Pro669Ala). This variant is not present in population databases (gnomAD no frequency). This variant has not been reported in the literature in individuals affected with GAA-related conditions. Advanced modeling of protein sequence and biophysical properties (such as structural, functional, and spatial information, amino acid conservation, physicochemical variation, residue mobility, and thermodynamic stability) performed at Invitae indicates that this missense variant is expected to disrupt GAA protein function. In summary, the available evidence is currently insufficient to determine the role of this variant in disease. Therefore, it has been classified as a Variant of Uncertain Significance.